The following is an entry in ClinVar:

NM_000441.2(SLC26A4):c.86A>G (p.Glu29Gly)

Genes: SLC26A4 (solute carrier family 26 member 4; plus strand), SLC26A4-AS1 (SLC26A4 antisense RNA 1; minus strand). Cytogenetic location: 7q22.3.
Variant type: single nucleotide variant.
Coding change: c.86A>G on transcript NM_000441.2 (MANE Select); coding-DNA position 86, A replaced by G.
Protein change: p.Glu29Gly; replaces glutamic acid 29 with glycine.
Molecular consequence: missense variant. On other transcripts: non-coding transcript variant (1).
Genome position (GRCh38, 1-based): chr7:107,661,727, A>G. VCF-style: chr7-107661727-A-G. GRCh37 (hg19) VCF-style: chr7-107302172-A-G.
Other names: short protein forms E29G.
Identifiers: ClinVar variation 552271 (VCV000552271.7), dbSNP rs1446406563, ClinGen allele CA368845005.

ClinVar aggregate classification (germline): Conflicting classifications of pathogenicity. Review status: criteria provided, conflicting classifications (1 of 4 stars). 4 submissions from 4 submitters: Pathogenic (1); Likely pathogenic (1); Uncertain significance (1). 1 of the submissions does not count toward it. Last evaluated 2024-04-10.

Conditions:
SLC26A4-related disorder. Also called: SLC26A4-related condition; SLC26A4-related disorders.
Autosomal recessive nonsyndromic hearing loss 4 (DFNB4). Also called: FOXI1-Related Pendred Syndrome; KCNJ10-Related Pendred Syndrome; DEAFNESS, AUTOSOMAL RECESSIVE 4, WITH ENLARGED VESTIBULAR AQUEDUCT, DIGENIC; NEUROSENSORY NONSYNDROMIC RECESSIVE DEAFNESS 4; Deafness, autosomal recessive 4; Enlarged vestibular aqueduct, digenic. Identifiers: Orphanet 90636, MedGen C3538946, MONDO:0010933, OMIM 600791.
Pendred syndrome (PDS). Also called: Pendred's syndrome; THYROID DYSHORMONOGENESIS 2B; THYROID HORMONOGENESIS, GENETIC DEFECT IN, 2B; Pendred Syndrome (PDS); DEAFNESS WITH GOITER; GOITER-DEAFNESS SYNDROME. Identifiers: Orphanet 705, MedGen C0271829, MONDO:0010134, OMIM 274600.

Allele frequency attached by ClinVar (database versions not stated): gnomAD exomes below 0.00001; gnomAD 0.00001; TOPMed 0.00001.

Submissions (4):

Labcorp Genetics (formerly Invitae), Labcorp
Classification: Pathogenic. Last evaluated: 2024-04-10. Review status: criteria provided, single submitter. Criteria: Invitae Variant Classification Sherloc (09022015). Collection method: clinical testing. Allele origin: germline.
Comment: This sequence change replaces glutamic acid, which is acidic and polar, with glycine, which is neutral and non-polar, at codon 29 of the SLC26A4 protein (p.Glu29Gly). This variant is present in population databases (no rsID available, gnomAD 0.007%). This missense change has been observed in individuals with SLC26A4-related conditions (PMID: 25372295, 30762455). ClinVar contains an entry for this variant (Variation ID: 552271). Advanced modeling of protein sequence and biophysical properties (such as structural, functional, and spatial information, amino acid conservation, physicochemical variation, residue mobility, and thermodynamic stability) performed at Invitae indicates that this missense variant is expected to disrupt SLC26A4 protein function with a positive predictive value of 95%. This variant disrupts the p.Glu29 amino acid residue in SLC26A4. Other variant(s) that disrupt this residue have been determined to be pathogenic (PMID: 11317356, 15355436, 16570074, 19017801, 20597900, 25394566). This suggests that this residue is clinically significant, and that variants that disrupt this residue are likely to be disease-causing. For these reasons, this variant has been classified as Pathogenic.

Fulgent Genetics
Classification: Uncertain significance for Pendred syndrome; Autosomal recessive nonsyndromic hearing loss 4. Last evaluated: 2022-05-03. Review status: criteria provided, single submitter. Criteria: ACMG Guidelines, 2015. Collection method: clinical testing. Allele origin: unknown.

Blueprint Genetics
Classification: Likely pathogenic for SLC26A4-related disorders. Last evaluated: 2018-06-30. Review status: criteria provided, single submitter. Criteria: ACMG Guidelines, 2015. Collection method: clinical testing. Allele origin: germline. Affected: yes. Observed: 1 variant allele.

Counsyl
Classification: Uncertain significance for Pendred syndrome. Last evaluated: 2017-06-01. Review status: no assertion criteria provided. Collection method: clinical testing. Allele origin: unknown. Not counted in ClinVar's aggregate classification.

Literature cited by the submitters: PubMed 25372295 (cited by Labcorp Genetics (formerly Invitae), Labcorp and Counsyl); PubMed 30762455 (cited by Labcorp Genetics (formerly Invitae), Labcorp); PubMed 11317356 (cited by Labcorp Genetics (formerly Invitae), Labcorp); PubMed 15355436 (cited by Labcorp Genetics (formerly Invitae), Labcorp); PubMed 16570074 (cited by Labcorp Genetics (formerly Invitae), Labcorp); PubMed 19017801 (cited by Labcorp Genetics (formerly Invitae), Labcorp); PubMed 20597900 (cited by Labcorp Genetics (formerly Invitae), Labcorp); PubMed 25394566 (cited by Labcorp Genetics (formerly Invitae), Labcorp).